The following is an entry in ClinVar:

NM_000435.3(NOTCH3):c.2991C>A (p.Cys997Ter)

Gene: NOTCH3 (notch receptor 3; minus strand). Cytogenetic location: 19p13.12.
Variant type: single nucleotide variant.
Coding change: c.2991C>A on transcript NM_000435.3 (MANE Select); coding-DNA position 2991, C replaced by A.
Protein change: p.Cys997Ter; replaces cysteine 997 with a stop codon.
Molecular consequence: nonsense.
Genome position (GRCh38, 1-based): chr19:15,180,964, G>T on the plus strand (C>A on the coding strand, the complement: NOTCH3 is on the minus strand). VCF-style: chr19-15180964-G-T. GRCh37 (hg19) VCF-style: chr19-15291775-G-T.
Other names: short protein forms C997*.
Identifiers: ClinVar variation 3651902 (VCV003651902.2).
Genomic context (GRCh38, chr19:15,180,964, plus strand): 5'-CTCCCTCCTAGGATCCCAGGCAGGCTCCTCCCCCAGGTCCCCAGTAACTCCACCCACCTG[G>T]CACTGCGGGCCCGTGAAGCTCTCGAGGCAGGTGCAGCGGAAGCCAGGGTGGGCGGCGCTG-3'

ClinVar aggregate classification (germline): Pathogenic (1 of 4 stars; one submission).

Submission:

Labcorp Genetics (formerly Invitae), Labcorp
Classification: Pathogenic. Last evaluated: 2025-03-07. Review status: criteria provided, single submitter. Criteria: Invitae Variant Classification Sherloc (09022015). Collection method: clinical testing. Allele origin: germline.
Comment: This sequence change creates a premature translational stop signal (p.Cys997*) in the NOTCH3 gene. It is expected to result in an absent or disrupted protein product. Loss-of-function variants in NOTCH3 are known to be pathogenic (PMID: 25870235, 32980981, 38824264). This variant is not present in population databases (gnomAD no frequency). This variant has not been reported in the literature in individuals affected with NOTCH3-related conditions. For these reasons, this variant has been classified as Pathogenic.

Literature cited by the submitters: PubMed 25870235; PubMed 32980981; PubMed 38824264.